The following is an entry in ClinVar:

NM_006946.4(SPTBN2):c.1838C>T (p.Ser613Leu)

Gene: SPTBN2 (spectrin beta, non-erythrocytic 2; minus strand). Cytogenetic location: 11q13.2.
Variant type: single nucleotide variant.
Coding change: c.1838C>T on transcript NM_006946.4 (MANE Select); coding-DNA position 1838, C replaced by T.
Protein change: p.Ser613Leu; replaces serine 613 with leucine.
Molecular consequence: missense variant.
Genome position (GRCh38, 1-based): chr11:66,705,438, G>A on the plus strand (C>T on the coding strand, the complement: SPTBN2 is on the minus strand). VCF-style: chr11-66705438-G-A. GRCh37 (hg19) VCF-style: chr11-66472909-G-A.
Other names: c.1838C>T (NM_006946.2); short protein forms S613L.
Identifiers: ClinVar variation 1400522 (VCV001400522.8), dbSNP rs747019461, ClinGen allele CA6129237.

ClinVar aggregate classification (germline): Uncertain significance. Review status: criteria provided, multiple submitters, no conflicts (2 of 4 stars). 2 submissions from 2 submitters: Uncertain significance (2). Last evaluated 2025-01-18.

Conditions:
Inborn genetic diseases. Identifiers: MedGen C0950123, MeSH D030342.

Allele frequency attached by ClinVar (database versions not stated): ExAC 0.00003; gnomAD 0.00003 and 0.00004; TOPMed 0.00003; gnomAD exomes 0.00004 and 0.00005.
gnomAD v4.1: 58 of 1,612,896 alleles (0.0036%); highest among the groups gnomAD compares: South Asian, 0.013%; no homozygotes.

Submissions (2):

Ambry Genetics
Classification: Uncertain significance for Inborn genetic diseases. Last evaluated: 2025-01-18. Review status: criteria provided, single submitter. Criteria: Ambry Variant Classification Scheme 2023. Collection method: clinical testing. Allele origin: germline.

Labcorp Genetics (formerly Invitae), Labcorp
Classification: Uncertain significance. Last evaluated: 2022-01-17. Review status: criteria provided, single submitter. Criteria: Invitae Variant Classification Sherloc (09022015). Collection method: clinical testing. Allele origin: germline.
Comment: In summary, the available evidence is currently insufficient to determine the role of this variant in disease. Therefore, it has been classified as a Variant of Uncertain Significance. Advanced modeling of protein sequence and biophysical properties (such as structural, functional, and spatial information, amino acid conservation, physicochemical variation, residue mobility, and thermodynamic stability) performed at Invitae indicates that this missense variant is not expected to disrupt SPTBN2 protein function. This variant has not been reported in the literature in individuals affected with SPTBN2-related conditions. This variant is present in population databases (rs747019461, gnomAD 0.02%). This sequence change replaces serine, which is neutral and polar, with leucine, which is neutral and non-polar, at codon 613 of the SPTBN2 protein (p.Ser613Leu).